The following is an entry in ClinVar:

ClinVar aggregate classification (germline): Uncertain significance (1 of 4 stars; one submission).

Conditions:
Hereditary cancer-predisposing syndrome. Also called: Hereditary neoplastic syndrome; Neoplastic Syndromes, Hereditary; Tumor predisposition; Hereditary Cancer Syndrome. Identifiers: Orphanet 140162, MedGen C0027672, MeSH D009386, MONDO:0015356.

Submission:

Ambry Genetics
Classification: Uncertain significance for Hereditary cancer-predisposing syndrome. Last evaluated: 2025-08-28. Review status: criteria provided, single submitter. Criteria: Ambry Variant Classification Scheme 2023. Collection method: clinical testing. Allele origin: germline.
Comment: The p.E379Q variant (also known as c.1135G>C), located in coding exon 12 of the NF2 gene, results from a G to C substitution at nucleotide position 1135. The glutamic acid at codon 379 is replaced by glutamine, an amino acid with highly similar properties. This amino acid position is conserved. In addition, this alteration is predicted to be tolerated by in silico analysis. Based on the available evidence, the clinical significance of this variant remains unclear.

NM_000268.4(NF2):c.1135G>C (p.Glu379Gln)

Gene: NF2 (NF2, moesin-ezrin-radixin like (MERLIN) tumor suppressor; plus strand). Cytogenetic location: 22q12.2.
Variant type: single nucleotide variant.
Coding change: c.1135G>C on transcript NM_000268.4 (MANE Select); coding-DNA position 1135, G replaced by C.
Protein change: p.Glu379Gln; replaces glutamic acid 379 with glutamine.
Molecular consequence: missense variant. On other transcripts: intron variant (1).
Genome position (GRCh38, 1-based): chr22:29,673,281, G>C. VCF-style: chr22-29673281-G-C. GRCh37 (hg19) VCF-style: chr22-30069270-G-C.
Other names: c.1021G>C, p.Glu341Gln (NM_001407053.1, NM_001407056.1); c.1012G>C, p.Glu338Gln (NM_001407054.1, NM_001407058.1, NM_181829.3); c.1009G>C, p.Glu337Gln (NM_001407055.1, NM_181828.3); c.1000G>C, p.Glu334Gln (NM_001407057.1, NM_001407059.1); c.1135G>C, p.Glu379Gln (NM_001407060.1, NM_001407066.1, NM_016418.5 and 2 more transcripts); c.877G>C, p.Glu293Gln (NM_001407062.1); c.886G>C, p.Glu296Gln (NM_001407063.1, NM_001407064.1, NM_181830.3 and 1 more transcripts); c.601G>C, p.Glu201Gln (NM_001407065.1); and 2 more; short protein forms E296Q, E341Q, E379Q, E302Q, E338Q, E293Q, E201Q, E334Q.
Identifiers: ClinVar variation 4119222 (VCV004119222.1).